The following is an entry in ClinVar:

ClinVar aggregate classification (germline): Uncertain significance (1 of 4 stars; one submission).

Submission:

Labcorp Genetics (formerly Invitae), Labcorp
Classification: Uncertain significance. Last evaluated: 2025-11-13. Review status: criteria provided, single submitter. Criteria: Invitae Variant Classification Sherloc (09022015). Collection method: clinical testing. Allele origin: germline.
Comment: This sequence change replaces threonine, which is neutral and polar, with alanine, which is neutral and non-polar, at codon 105 of the ALPK3 protein (p.Thr105Ala). This variant is not present in population databases (gnomAD no frequency). This variant has not been reported in the literature in individuals affected with ALPK3-related conditions. An algorithm developed to predict the effect of missense changes on protein structure and function outputs the following: PolyPhen-2: "Benign". The alanine amino acid residue is found in multiple mammalian species, which suggests that this missense change does not adversely affect protein function. In summary, the available evidence is currently insufficient to determine the role of this variant in disease. Therefore, it has been classified as a Variant of Uncertain Significance.

NC_000015.10:g.84817159A>G

Gene: ALPK3 (alpha kinase 3; plus strand). Cytogenetic location: 15q25.3.
Variant type: single nucleotide variant.
Genome position: GRCh38 VCF-style: chr15-84817159-A-G. GRCh37 (hg19) VCF-style: chr15-85360390-A-G.
Identifiers: ClinVar variation 4715634 (VCV004715634.1).